The following is an entry in ClinVar:

ClinVar aggregate classification (germline): Uncertain significance (0 of 4 stars; one submission).

Submission:

Department of Pathology and Laboratory Medicine, Sinai Health System
Classification: Uncertain significance. Review status: no assertion criteria provided. Collection method: clinical testing. Allele origin: unknown. Affected: yes. Study: The Canadian Open Genetics Repository (COGR).
Comment: The RBP3 p.Pro740Leu variant was not identified in the literature nor was it identified in the dbSNP, ClinVar, MutDB or LOVD 3.0 databases. The variant was not identified in the following control databases: the 1000 Genomes Project, the NHLBI GO Exome Sequencing Project, the Exome Aggregation Consortium (August 8th 2016), or the Genome Aggregation Database (Feb 27, 2017). The p.Pro740 residue is conserved in mammals and computational analyses (PolyPhen-2, SIFT, BLOSUM, MutationTaster) suggest that the variant may impact the protein. However, this information is not predictive enough to assume pathogenicity. In summary, based on the above information the clinical significance of this variant cannot be determined with certainty at this time. This variant is classified as a variant of uncertain significance.

NM_002900.3(RBP3):c.2219C>T (p.Pro740Leu)

Gene: RBP3 (retinol binding protein 3; plus strand). Cytogenetic location: 10q11.22.
Variant type: single nucleotide variant.
Coding change: c.2219C>T on transcript NM_002900.3 (MANE Select); coding-DNA position 2219, C replaced by T.
Protein change: p.Pro740Leu; replaces proline 740 with leucine.
Molecular consequence: missense variant.
Genome position (GRCh38, 1-based): chr10:47,350,703, C>T. VCF-style: chr10-47350703-C-T. GRCh37 (hg19) VCF-style: chr10-48388659-G-A.
Other names: short protein forms P740L.
Identifiers: ClinVar variation 1050152 (VCV001050152.1), dbSNP rs2132254815, ClinGen allele CA376672466.